The following is an entry in ClinVar:

ClinVar aggregate classification (germline): Likely pathogenic (1 of 4 stars; one submission).

Conditions:
Retinitis pigmentosa 3. Also called: CHOROIDORETINAL DEGENERATION WITH RETINAL REFLEX IN HETEROZYGOUS WOMEN. Identifiers: Orphanet 791, MedGen C1845667, MONDO:0010227, OMIM 300029.

Submission:

3billion
Classification: Likely pathogenic for Retinitis pigmentosa 3. Last evaluated: 2023-11-09. Review status: criteria provided, single submitter. Criteria: ACMG Guidelines, 2015. Collection method: clinical testing. Allele origin: germline. Affected: yes.
Comment: The variant is not observed in the gnomAD v2.1.1 dataset. Predicted Consequence/Location: Frameshift: predicted to result in a loss or disruption of normal protein function through protein truncation. The predicted truncated protein may be shortened by more than 10%. Therefore, this variant is classified as Likely pathogenic according to the recommendation of ACMG/AMP guideline.

NM_001034853.2(RPGR):c.2808dup (p.Gly937fs)

Gene: RPGR (retinitis pigmentosa GTPase regulator; minus strand). Cytogenetic location: Xp11.4.
Variant type: Duplication.
Coding change: c.2808dup on transcript NM_001034853.2 (MANE Select); coding-DNA position 2808, one base duplicated (A; older notation c.2808dupA).
Protein change: p.Gly937fs; shifts the reading frame from glycine 937.
Molecular consequence: frameshift variant. On other transcripts: intron variant (8).
Genome position (GRCh38, 1-based): chrX:38,286,191, T duplicated on the plus strand (A on the coding strand, the reverse complement: RPGR is on the minus strand); the first of 2 consecutive T bases (chrX:38,286,191-38,286,192); duplicating either gives the same sequence. VCF-style (leftmost placement, unchanged base first): chrX-38286190-C-CT. GRCh37 (hg19) VCF-style: chrX-38145443-C-CT.
Other names: c.1569+4768dup (NM_001367249.1, NM_001367250.1); c.1902+903dup (NM_001367245.1); c.1386+4768dup (NM_001367251.1); c.1719+903dup (NM_001367246.1); c.1572+4768dup (NM_001367247.1); c.1905+903dup (NM_000328.3); c.1602+4768dup (NM_001367248.1); short protein forms G937fs.
Identifiers: ClinVar variation 3776110 (VCV003776110.1).